The following is an entry in ClinVar:

ClinVar aggregate classification (germline): Uncertain significance (1 of 4 stars; one submission).

Allele frequency attached by ClinVar (database versions not stated): gnomAD exomes below 0.00001 and 0.00002; ExAC 0.00001; gnomAD 0.00001; TOPMed 0.00001.
gnomAD v4.1: 27 of 1,554,834 alleles (0.0017%); highest among the groups gnomAD compares: Non-Finnish European, 0.0024%; no homozygotes.

Submission:

GeneDx
Classification: Uncertain significance. Last evaluated: 2014-02-28. Review status: criteria provided, single submitter. Criteria: GeneDx Variant Classification (06012015). Collection method: clinical testing. Allele origin: germline. Affected: yes.
Comment: Missense variants in the TTN gene are considered 'unclassified' if they are not previously reported in the literature and do not have >1% frequency in the population to be considered a polymorphism. Research indicates that truncating mutations in the TTN gene are expected to account for approximately 25% of familial and 18% of sporadic idiopathic DCM; however, truncating variants in the TTN gene have been reported in approximately 3% of reported control alleles. There has been little investigation into non-truncating variants. (Herman D et al. Truncations of titin causing dilated cardiomyopathy. N Eng J Med 366:619-628, 2012) The variant is found in DCM-CRDM panel(s).

NM_001267550.2(TTN):c.65819A>G (p.Asn21940Ser)

Genes: TTN (titin; minus strand), TTN-AS1 (TTN antisense RNA 1; plus strand). Cytogenetic location: 2q31.2.
Variant type: single nucleotide variant.
Coding change: c.65819A>G on transcript NM_001267550.2 (MANE Select); coding-DNA position 65819, A replaced by G.
Protein change: p.Asn21940Ser; replaces asparagine 21940 with serine.
Molecular consequence: missense variant.
Genome position (GRCh38, 1-based): chr2:178,582,984, T>C on the plus strand (A>G on the coding strand, the complement: TTN is on the minus strand). VCF-style: chr2-178582984-T-C. GRCh37 (hg19) VCF-style: chr2-179447711-T-C.
Other names: p.N20299S:AAT>AGT; c.60896A>G, p.Asn20299Ser (NM_001256850.1); c.38624A>G, p.Asn12875Ser (NM_003319.4); c.58115A>G, p.Asn19372Ser (NM_133378.4); c.38999A>G, p.Asn13000Ser (NM_133432.3); c.39200A>G, p.Asn13067Ser (NM_133437.4); short protein forms N20299S, N21940S, N13000S, N13067S, N12875S, N19372S.
Identifiers: ClinVar variation 202799 (VCV000202799.2), dbSNP rs762866554, ClinGen allele CA310325.